The following is an entry in ClinVar:

NM_080680.3(COL11A2):c.3337A>T (p.Ile1113Phe)

Gene: COL11A2 (collagen type XI alpha 2 chain; minus strand). Cytogenetic location: 6p21.32.
Variant type: single nucleotide variant.
Coding change: c.3337A>T on transcript NM_080680.3 (MANE Select); coding-DNA position 3337, A replaced by T.
Protein change: p.Ile1113Phe; replaces isoleucine 1113 with phenylalanine.
Molecular consequence: missense variant.
Genome position (GRCh38, 1-based): chr6:33,171,143, T>A on the plus strand (A>T on the coding strand, the complement: COL11A2 is on the minus strand). VCF-style: chr6-33171143-T-A. GRCh37 (hg19) VCF-style: chr6-33138920-T-A.
Other names: c.3157A>T, p.Ile1053Phe (NM_001424108.1); c.2491A>T, p.Ile831Phe (NM_001424109.1); c.2311A>T, p.Ile771Phe (NM_001424110.1, NM_001424111.1); c.1291A>T, p.Ile431Phe (NM_001424112.1); c.3016A>T, p.Ile1006Phe (NM_080679.3); c.3079A>T, p.Ile1027Phe (NM_080681.3); short protein forms I1006F, I1027F, I1053F, I1113F, I431F, I771F, I831F.
Identifiers: ClinVar variation 4801312 (VCV004801312.1).

ClinVar aggregate classification (germline): Uncertain significance (1 of 4 stars; one submission).

Submission:

Labcorp Genetics (formerly Invitae), Labcorp
Classification: Uncertain significance. Last evaluated: 2026-02-02. Review status: criteria provided, single submitter. Criteria: Invitae Variant Classification Sherloc (09022015). Collection method: clinical testing. Allele origin: germline.
Comment: This sequence change replaces isoleucine, which is neutral and non-polar, with phenylalanine, which is neutral and non-polar, at codon 1113 of the COL11A2 protein (p.Ile1113Phe). This variant is not present in population databases (gnomAD no frequency). This variant has not been reported in the literature in individuals affected with COL11A2-related conditions. Invitae Evidence Modeling of protein sequence and biophysical properties (such as structural, functional, and spatial information, amino acid conservation, physicochemical variation, residue mobility, and thermodynamic stability) indicates that this missense variant is not expected to disrupt COL11A2 protein function with a negative predictive value of 95%. In summary, the available evidence is currently insufficient to determine the role of this variant in disease. Therefore, it has been classified as a Variant of Uncertain Significance.